The following is an entry in ClinVar:

ClinVar aggregate classification (germline): Likely pathogenic. Review status: criteria provided, multiple submitters, no conflicts (2 of 4 stars). 2 submissions from 2 submitters: Likely pathogenic (2). Last evaluated 2024-11-04.

Conditions:
Alport syndrome. Also called: Hemorrhagic familial nephritis; Hemorrhagic hereditary nephritis; Congenital hereditary hematuria. Identifiers: Orphanet 63, MedGen C1567741, MONDO:0018965.
Autosomal recessive Alport syndrome (ATS2). Also called: COL4A4 Alport Syndrome and Thin Basement Membrane Nephropathy; Alport syndrome type 2; ALPORT SYNDROME 2, AUTOSOMAL RECESSIVE; COL4A3-Related Nephropathy. Identifiers: Orphanet 63, Orphanet 88919, MedGen C4746745, MONDO:0008762, OMIM 203780.
Hematuria, benign familial, 1 (BFH1). Also called: THIN MEMBRANE NEPHROPATHY. Identifiers: MedGen CN376803, MONDO:0007709, OMIM 141200.

Submissions (2):

Molecular Genetics, Royal Melbourne Hospital
Classification: Likely pathogenic for Alport syndrome. Last evaluated: 2024-11-04. Review status: criteria provided, single submitter. Criteria: ACMG Guidelines, 2015. Collection method: clinical testing. Allele origin: germline. Inheritance: Semidominant inheritance. Affected: yes.
Comment: This sequence change in COL4A4 is predicted to replace glycine with tryptophan at codon 335, p.(Gly335Trp). The glycine residue is highly conserved (100 vertebrates, Multiz Alignments), and is a glycine-altering variant that alters a critical glycine residue in a collagen triple helix repeat (Gly-X-Y) in the alpha-IV collagenous domain. Glycine substitutions within this functional domain have a well-established pathogenic dominant-negative effect (PMID: 20301386). There is a large physicochemical difference between glycine and tryptophan. This variant is absent from the population database gnomAD v4.1. To our knowledge, this variant is novel and has not been previously reported in the relevant scientific literature or databases. It has been detected in one individual with a clinical diagnosis of Alport Syndrome (Royal Melbourne Hospital). Computational evidence predicts a deleterious effect for the missense substitution (REVEL = 0.974) and predicts no impact on splicing (SpliceAI) for the nucleotide change. Based on the classification scheme RMH Modified ACMG/AMP Guidelines v1.7.0, this variant is classified as LIKELY PATHOGENIC. Following criteria are met: PM1, PM2_Supporting, PP3_Moderate, PS4_Supporting.

Fulgent Genetics
Classification: Likely pathogenic for Hematuria, benign familial, 1; Autosomal recessive Alport syndrome. Last evaluated: 2023-12-30. Review status: criteria provided, single submitter. Criteria: ACMG Guidelines, 2015. Collection method: clinical testing. Allele origin: germline.

Literature cited by the submitters: PubMed 20301386 (cited by Molecular Genetics, Royal Melbourne Hospital).

NM_000092.5(COL4A4):c.1003G>T (p.Gly335Trp)

Gene: COL4A4 (collagen type IV alpha 4 chain; minus strand). Cytogenetic location: 2q36.3.
Variant type: single nucleotide variant.
Coding change: c.1003G>T on transcript NM_000092.5 (MANE Select); coding-DNA position 1003, G replaced by T.
Protein change: p.Gly335Trp; replaces glycine 335 with tryptophan.
Molecular consequence: missense variant.
Genome position (GRCh38, 1-based): chr2:227,101,530, C>A on the plus strand (G>T on the coding strand, the complement: COL4A4 is on the minus strand). VCF-style: chr2-227101530-C-A. GRCh37 (hg19) VCF-style: chr2-227966246-C-A.
Other names: short protein forms G335W.
Identifiers: ClinVar variation 3585905 (VCV003585905.2).